The following is an entry in ClinVar:

ClinVar aggregate classification (germline): Pathogenic (1 of 4 stars; one submission).

Submission:

Labcorp Genetics (formerly Invitae), Labcorp
Classification: Pathogenic. Last evaluated: 2024-05-15. Review status: criteria provided, single submitter. Criteria: Invitae Variant Classification Sherloc (09022015). Collection method: clinical testing. Allele origin: germline.
Comment: This sequence change creates a premature translational stop signal (p.Glu137Lysfs*11) in the CD46 gene. It is expected to result in an absent or disrupted protein product. Loss-of-function variants in CD46 are known to be pathogenic (PMID: 16621965, 23431077). This variant is not present in population databases (gnomAD no frequency). This variant has not been reported in the literature in individuals affected with CD46-related conditions. ClinVar contains an entry for this variant (Variation ID: 2075354). Algorithms developed to predict the effect of sequence changes on RNA splicing suggest that this variant may disrupt the consensus splice site. For these reasons, this variant has been classified as Pathogenic.

Literature cited by the submitters: PubMed 16621965; PubMed 23431077.

NM_172351.3(CD46):c.408del (p.Glu137fs)

Gene: CD46 (CD46 molecule; plus strand). Cytogenetic location: 1q32.2.
Variant type: Deletion.
Coding change: c.408del on transcript NM_172351.3 (MANE Select); coding-DNA position 408, one base deleted (A; older notation c.408delA).
Protein change: p.Glu137fs; shifts the reading frame from glutamic acid 137.
Molecular consequence: frameshift variant.
Genome position (GRCh38, 1-based): chr1:207,759,657, A deleted; the last of 2 consecutive A bases (chr1:207,759,656-207,759,657); deleting either gives the same sequence. VCF-style (leftmost placement, unchanged base first): chr1-207759655-GA-G. GRCh37 (hg19) VCF-style: chr1-207933000-GA-G.
Other names: c.408del, p.Glu137fs (NM_002389.4, NM_153826.4, NM_172350.3 and 8 more transcripts); short protein forms E137fs.
Identifiers: ClinVar variation 2075354 (VCV002075354.4), dbSNP rs2526436644, ClinGen allele CA2580061952.